The following is an entry in ClinVar:

ClinVar aggregate classification (germline): Uncertain significance (1 of 4 stars; one submission).

Conditions:
Charcot-Marie-Tooth disease dominant intermediate B (CMTDIB). Also called: CHARCOT-MARIE-TOOTH NEUROPATHY, DOMINANT INTERMEDIATE B; Charcot-Marie-Tooth disease dominant intermediate 1; CMT DI1; Charcot-Marie-Tooth disease dominant intermediate I. Identifiers: Orphanet 100044, Orphanet 228179, MedGen C1847902, MONDO:0011674, OMIM 606482.

Allele frequency attached by ClinVar (database versions not stated): gnomAD exomes below 0.00001.
gnomAD v4.1: 1 of 1,613,922 alleles (0.000062%); highest among the groups gnomAD compares: South Asian, 0.0011%; no homozygotes.

Submission:

Labcorp Genetics (formerly Invitae), Labcorp
Classification: Uncertain significance for Charcot-Marie-Tooth disease dominant intermediate B. Last evaluated: 2022-01-15. Review status: criteria provided, single submitter. Criteria: Invitae Variant Classification Sherloc (09022015). Collection method: clinical testing. Allele origin: germline.
Comment: This variant is present in population databases (no rsID available, gnomAD 0.003%). In summary, the available evidence is currently insufficient to determine the role of this variant in disease. Therefore, it has been classified as a Variant of Uncertain Significance. Variants that disrupt the consensus splice site are a relatively common cause of aberrant splicing (PMID: 17576681, 9536098). Algorithms developed to predict the effect of sequence changes on RNA splicing suggest that this variant is not likely to affect RNA splicing. ClinVar contains an entry for this variant (Variation ID: 571848). This variant has not been reported in the literature in individuals affected with DNM2-related conditions. This sequence change falls in intron 7 of the DNM2 gene. It does not directly change the encoded amino acid sequence of the DNM2 protein. It affects a nucleotide within the consensus splice site.

Literature cited by the submitters: PubMed 17576681; PubMed 9536098.

NM_001005361.3(DNM2):c.992+4T>C

Gene: DNM2 (dynamin 2; plus strand). Cytogenetic location: 19p13.2.
Variant type: single nucleotide variant.
Coding change: c.992+4T>C on transcript NM_001005361.3 (MANE Select); 4 bases into the intron after coding-DNA position 992, T replaced by C.
Molecular consequence: intron variant.
Genome position (GRCh38, 1-based): chr19:10,786,710, T>C. VCF-style: chr19-10786710-T-C. GRCh37 (hg19) VCF-style: chr19-10897386-T-C.
Other names: c.992+4T>C (NM_004945.4, NM_001190716.2, NM_001005360.3 and 1 more transcripts).
Identifiers: ClinVar variation 571848 (VCV000571848.8), dbSNP rs1225723240, ClinGen allele CA631742005.
Genomic context (GRCh38, chr19:10,786,710, plus strand): 5'-GGAGTACAAGAACTTTCGGCCCGACGACCCCACCCGCAAAACCAAAGCCCTGCTGCAGTA[T>C]GTACCCCGGCACCCACCACCACCACCACCCTGGCCCCTGCCTTCCATCAGCCACAGGGCC-3'